The following is an entry in ClinVar:

NM_000540.3(RYR1):c.5860C>T (p.Arg1954Cys)

Gene: RYR1 (ryanodine receptor 1; plus strand). Cytogenetic location: 19q13.2.
Variant type: single nucleotide variant.
Coding change: c.5860C>T on transcript NM_000540.3 (MANE Select); coding-DNA position 5860, C replaced by T.
Protein change: p.Arg1954Cys; replaces arginine 1954 with cysteine.
Molecular consequence: missense variant.
Genome position (GRCh38, 1-based): chr19:38,490,121, C>T. VCF-style: chr19-38490121-C-T. GRCh37 (hg19) VCF-style: chr19-38980761-C-T.
Other names: c.5860C>T, p.Arg1954Cys (NM_001042723.2); short protein forms R1954C.
Identifiers: ClinVar variation 451923 (VCV000451923.10), dbSNP rs1354061498, ClinGen allele CA405660369.
Genomic context (GRCh38, chr19:38,490,121, plus strand): 5'-GCTGTCCTTCCACAGATGTGCCACCTGCTGGAGTATTTCTGTGACCAAGAGCTGCAGCAC[C>T]GTGTGGAGTCCCTGGCAGCCTTTGCGGAGCGCTATGTGGACAAGCTCCAGGCCAACCAGC-3'
Protein context (NP_000531.2, residues 1944-1964): EYFCDQELQH[Arg1954Cys]VESLAAFAER

ClinVar aggregate classification (germline): Uncertain significance. Review status: criteria provided, multiple submitters, no conflicts (2 of 4 stars). 4 submissions from 4 submitters: Uncertain significance (4). Last evaluated 2024-08-06.

Conditions:
RYR1-related disorder. Also called: RYR1-related condition; RYR1-related disorders. Identifiers: MedGen CN239331.
Malignant hyperthermia, susceptibility to, 1 (MHS1). Also called: RYR1-Related Malignant Hyperthermia Susceptibility; Malignant hyperthermia suceptibility 1; Anesthesia related hyperthermia; Malignant hyperpyrexia; Fulminating hyperpyrexia; Pharmacogenic myopathy. Identifiers: Orphanet 423, MedGen C2930980, MONDO:0007783, OMIM 145600.

Allele frequency attached by ClinVar (database versions not stated): gnomAD exomes below 0.00001; gnomAD 0.00001; TOPMed 0.00001.
gnomAD v4.1: 4 of 1,614,112 alleles (0.00025%); highest among the groups gnomAD compares: East Asian, 0.0022%; no homozygotes.

Submissions (4):

All of Us Research Program, National Institutes of Health
Classification: Uncertain significance for Malignant hyperthermia, susceptibility to, 1. Last evaluated: 2024-08-06. Review status: criteria provided, single submitter. Criteria: ACMG Guidelines, 2015. Collection method: clinical testing. Allele origin: germline. Inheritance: Autosomal dominant inheritance. Observed: 2 variant alleles, 2 heterozygotes.
Comment: This missense variant replaces arginine with cysteine at codon 1954 of the RYR1 protein. Computational prediction suggests that this variant may have deleterious impact on protein structure and function (internally defined REVEL score threshold >= 0.7, PMID: 27666373). To our knowledge, functional studies have not been reported for this variant. This variant has not been reported in individuals affected with RYR1-related disorders in the literature. This variant has not been identified in the general population by the Genome Aggregation Database (gnomAD). The available evidence is insufficient to determine the role of this variant in disease conclusively. Therefore, this variant is classified as a Variant of Uncertain Significance.

This study involves interpretation of variants in research participants for the purpose of population health screening. Participant phenotype was not available at the time of variant classification. Additional details can be found in publication PMID: 35346344, PMCID: PMC8962531

Labcorp Genetics (formerly Invitae), Labcorp
Classification: Uncertain significance for RYR1-related disorder. Last evaluated: 2024-03-21. Review status: criteria provided, single submitter. Criteria: Invitae Variant Classification Sherloc (09022015). Collection method: clinical testing. Allele origin: germline.
Comment: This sequence change replaces arginine, which is basic and polar, with cysteine, which is neutral and slightly polar, at codon 1954 of the RYR1 protein (p.Arg1954Cys). This variant is not present in population databases (gnomAD no frequency). This variant has not been reported in the literature in individuals affected with RYR1-related conditions. ClinVar contains an entry for this variant (Variation ID: 451923). Advanced modeling of protein sequence and biophysical properties (such as structural, functional, and spatial information, amino acid conservation, physicochemical variation, residue mobility, and thermodynamic stability) has been performed at Invitae for this missense variant, however the output from this modeling did not meet the statistical confidence thresholds required to predict the impact of this variant on RYR1 protein function. In summary, the available evidence is currently insufficient to determine the role of this variant in disease. Therefore, it has been classified as a Variant of Uncertain Significance.

GeneDx
Classification: Uncertain significance. Last evaluated: 2023-07-28. Review status: criteria provided, single submitter. Criteria: GeneDx Variant Classification Process June 2021. Collection method: clinical testing. Allele origin: germline. Affected: yes.
Comment: Not observed at significant frequency in large population cohorts (gnomAD); In silico analysis supports that this missense variant has a deleterious effect on protein structure/function; Has not been previously published as pathogenic or benign to our knowledge

Revvity Omics, Revvity
Classification: Uncertain significance. Last evaluated: 2019-06-05. Review status: criteria provided, single submitter. Criteria: ACMG Guidelines, 2015. Collection method: clinical testing. Allele origin: germline.